The following is an entry in ClinVar:

NM_002734.5(PRKAR1A):c.177+4A>G

Gene: PRKAR1A (protein kinase cAMP-dependent type I regulatory subunit alpha; plus strand). Cytogenetic location: 17q24.2.
Variant type: single nucleotide variant.
Coding change: c.177+4A>G on transcript NM_002734.5 (MANE Select); 4 bases into the intron after coding-DNA position 177, A replaced by G.
Molecular consequence: intron variant.
Genome position (GRCh38, 1-based): chr17:68,515,580, A>G. VCF-style: chr17-68515580-A-G. GRCh37 (hg19) VCF-style: chr17-66511721-A-G.
Other names: c.177+4A>G (NM_001278433.2, NM_001369389.1, NM_212471.3 and 4 more transcripts).
Identifiers: ClinVar variation 1473140 (VCV001473140.6), dbSNP rs2143153832, ClinGen allele CA658795152.

ClinVar aggregate classification (germline): Uncertain significance (1 of 4 stars; one submission).

Conditions:
Carney complex, type 1 (CNC1). Also called: CARNEY MYXOMA-ENDOCRINE COMPLEX; CARNEY COMPLEX, TYPE I. Identifiers: Orphanet 1359, MedGen C2607929, MONDO:0008057, OMIM 160980.

Submission:

Labcorp Genetics (formerly Invitae), Labcorp
Classification: Uncertain significance for Carney complex, type 1. Last evaluated: 2020-11-25. Review status: criteria provided, single submitter. Criteria: Invitae Variant Classification Sherloc (09022015). Collection method: clinical testing. Allele origin: germline.
Comment: In summary, the available evidence is currently insufficient to determine the role of this variant in disease. Therefore, it has been classified as a Variant of Uncertain Significance. Nucleotide substitutions within the consensus splice site are a relatively common cause of aberrant splicing (PMID: 17576681, 9536098). Algorithms developed to predict the effect of sequence changes on RNA splicing suggest that this variant may disrupt the consensus splice site, but this prediction has not been confirmed by published transcriptional studies. This variant has not been reported in the literature in individuals with PRKAR1A-related conditions. This variant is not present in population databases (ExAC no frequency). This sequence change falls in intron 2 of the PRKAR1A gene. It does not directly change the encoded amino acid sequence of the PRKAR1A protein. It affects a nucleotide within the consensus splice site of the intron.

Literature cited by the submitters: PubMed 17576681; PubMed 9536098.